The following is an entry in ClinVar:

ClinVar aggregate classification (germline): Benign/Likely benign. Review status: criteria provided, multiple submitters, no conflicts (2 of 4 stars). 2 submissions from 2 submitters: Benign (1); Likely benign (1). Last evaluated 2026-01-18.

Allele frequency attached by ClinVar (database versions not stated): 1000 Genomes Project 0.00120; 1000 Genomes Project 30x 0.00125; gnomAD exomes 0.00235 and 0.00450; ExAC 0.00238; gnomAD 0.00294 and 0.00342; ESP Exome Variant Server 0.00346.
gnomAD v4.1: 6,967 of 1,613,958 alleles (0.43%); highest among the groups gnomAD compares: Non-Finnish European, 0.55%; 20 homozygotes.

Submissions (2):

Labcorp Genetics (formerly Invitae), Labcorp
Classification: Benign. Last evaluated: 2026-01-18. Review status: criteria provided, single submitter. Criteria: Invitae Variant Classification Sherloc (09022015). Collection method: clinical testing. Allele origin: germline.

CeGaT Center for Human Genetics Tuebingen
Classification: Likely benign. Last evaluated: 2023-04-01. Review status: criteria provided, single submitter. Criteria: CeGaT Center For Human Genetics Tuebingen Variant Classification Criteria Version 2. Collection method: clinical testing. Allele origin: germline. Affected: yes. Observed: 3 variant alleles.
Comment: ROR1: BP4, BP7, BS2

NM_005012.4(ROR1):c.207G>A (p.Thr69=)

Gene: ROR1 (ROR family WNT receptor 1; plus strand). Cytogenetic location: 1p31.3.
Variant type: single nucleotide variant.
Coding change: c.207G>A on transcript NM_005012.4 (MANE Select); coding-DNA position 207, G replaced by A.
Protein change: p.Thr69=; no amino-acid change (threonine 69 retained).
Molecular consequence: synonymous variant.
Genome position (GRCh38, 1-based): chr1:64,049,734, G>A. VCF-style: chr1-64049734-G-A. GRCh37 (hg19) VCF-style: chr1-64515406-G-A.
Other names: c.207G>A, p.Thr69= (NM_001083592.2).
Identifiers: ClinVar variation 1574543 (VCV001574543.36), dbSNP rs55806972, ClinGen allele CA890020.